The following is an entry in ClinVar:

NM_002335.4(LRP5):c.1584+6G>A

Gene: LRP5 (LDL receptor related protein 5; plus strand). Cytogenetic location: 11q13.2.
Variant type: single nucleotide variant.
Coding change: c.1584+6G>A on transcript NM_002335.4 (MANE Select); 6 bases into the intron after coding-DNA position 1584, G replaced by A.
Molecular consequence: intron variant.
Genome position (GRCh38, 1-based): chr11:68,390,058, G>A. VCF-style: chr11-68390058-G-A. GRCh37 (hg19) VCF-style: chr11-68157526-G-A.
Other names: c.-354+3346G>A (NM_001291902.2).
Identifiers: ClinVar variation 1347567 (VCV001347567.6), dbSNP rs534512623, ClinGen allele CA2573147534.

ClinVar aggregate classification (germline): Uncertain significance (1 of 4 stars; one submission).

gnomAD v4.1: 1 of 1,614,214 alleles (0.000062%); highest among the groups gnomAD compares: Non-Finnish European, 0.000085%; no homozygotes.

Submission:

Labcorp Genetics (formerly Invitae), Labcorp
Classification: Uncertain significance. Last evaluated: 2022-06-27. Review status: criteria provided, single submitter. Criteria: Invitae Variant Classification Sherloc (09022015). Collection method: clinical testing. Allele origin: germline.
Comment: In summary, the available evidence is currently insufficient to determine the role of this variant in disease. Therefore, it has been classified as a Variant of Uncertain Significance. This sequence change falls in intron 7 of the LRP5 gene. It does not directly change the encoded amino acid sequence of the LRP5 protein. It affects a nucleotide within the consensus splice site. This variant is not present in population databases (gnomAD no frequency). This variant has not been reported in the literature in individuals affected with LRP5-related conditions. Variants that disrupt the consensus splice site are a relatively common cause of aberrant splicing (PMID: 17576681, 9536098). Algorithms developed to predict the effect of sequence changes on RNA splicing suggest that this variant is not likely to affect RNA splicing.

Literature cited by the submitters: PubMed 17576681; PubMed 9536098.